The following is an entry in ClinVar:

ClinVar aggregate classification (germline): Conflicting classifications of pathogenicity. Review status: criteria provided, conflicting classifications (1 of 4 stars). 2 submissions from 2 submitters: Uncertain significance (1); Likely benign (1). Last evaluated 2025-08-19.

Conditions:
Inborn genetic diseases. Identifiers: MedGen C0950123, MeSH D030342.
Acute myeloid leukemia (AML). Also called: Leukemia, acute myeloid, somatic; Leukemia, acute myelogenous, somatic; Acute myeloid leukemia, adult; AML adult; Acute non-lymphocytic leukemia; Acute granulocytic leukemia. Identifiers: Orphanet 519, MedGen C0023467, MeSH D015470, MONDO:0018874, OMIM 601626, HP:0004808. Disease mechanism: Constitutively activated FLT3.

Allele frequency attached by ClinVar (database versions not stated): gnomAD exomes below 0.00001; gnomAD 0.00001.

Submissions (2):

Ambry Genetics
Classification: Likely benign for Inborn genetic diseases. Last evaluated: 2025-08-19. Review status: criteria provided, single submitter. Criteria: Ambry Variant Classification Scheme 2023. Collection method: clinical testing. Allele origin: germline.

Labcorp Genetics (formerly Invitae), Labcorp
Classification: Uncertain significance for Acute myeloid leukemia. Last evaluated: 2024-04-30. Review status: criteria provided, single submitter. Criteria: Invitae Variant Classification Sherloc (09022015). Collection method: clinical testing. Allele origin: germline.
Comment: This sequence change replaces serine, which is neutral and polar, with leucine, which is neutral and non-polar, at codon 190 of the CEBPA protein (p.Ser190Leu). This variant is not present in population databases (gnomAD no frequency). This variant has not been reported in the literature in individuals affected with CEBPA-related conditions. ClinVar contains an entry for this variant (Variation ID: 526806). An algorithm developed to predict the effect of missense changes on protein structure and function (PolyPhen-2) suggests that this variant is likely to be tolerated. In summary, the available evidence is currently insufficient to determine the role of this variant in disease. Therefore, it has been classified as a Variant of Uncertain Significance.

NM_004364.5(CEBPA):c.569C>T (p.Ser190Leu)

Gene: CEBPA (CCAAT enhancer binding protein alpha; minus strand). Cytogenetic location: 19q13.11.
Variant type: single nucleotide variant.
Coding change: c.569C>T on transcript NM_004364.5 (MANE Select); coding-DNA position 569, C replaced by T.
Protein change: p.Ser190Leu; replaces serine 190 with leucine.
Molecular consequence: missense variant.
Genome position (GRCh38, 1-based): chr19:33,301,846, G>A on the plus strand (C>T on the coding strand, the complement: CEBPA is on the minus strand). VCF-style: chr19-33301846-G-A. GRCh37 (hg19) VCF-style: chr19-33792752-G-A.
Other names: c.212C>T, p.Ser71Leu (NM_001285829.2); c.674C>T, p.Ser225Leu (NM_001287424.2); c.527C>T, p.Ser176Leu (NM_001287435.2); c.569C>T (NM_004364.3); short protein forms S190L, S176L, S225L, S71L.
Identifiers: ClinVar variation 526806 (VCV000526806.10), dbSNP rs1555742114, ClinGen allele CA405274675.